The following is an entry in ClinVar:

NM_020750.3(XPO5):c.1442-21GT[6]

Genes: XPO5 (exportin 5; minus strand), POLR1C (RNA polymerase I and III subunit C; plus strand). Cytogenetic location: 6p21.1.
Variant type: Microsatellite.
Coding change: c.1442-21GT[6] on transcript NM_020750.3 (MANE Select); six copies in a row of the 2-base unit GT starting at c.1442-21; the reference has seven copies in a row; one copy, 2 bases deleted.
Molecular consequence: intron variant.
Genome position (GRCh38, 1-based): chr6:43,553,511-43,553,512, AC deleted on the plus strand (GT on the coding strand, the reverse complement: XPO5 is on the minus strand); deleting any 2 consecutive bases within chr6:43,553,511-43,553,525 gives the same sequence; the position shown is the placement nearest the transcript's 3' end. VCF-style (leftmost placement, unchanged base first): chr6-43553510-AAC-A. GRCh37 (hg19) VCF-style: chr6-43521247-AAC-A.
Other names: c.*42+2500AC[6] (NM_001363658.2).
Identifiers: ClinVar variation 3060991 (VCV003060991.2), dbSNP rs749301680, ClinGen allele CA3826396.
Genomic context (GRCh38, chr6:43,553,510, plus strand): 5'-AAGGTGAGAAGACGGAACAGAGGCTTCCTTCTCCAGTTCCAACTGCAGAACAAGCTTTAA[AAC>A]ACACACACACACATACACACACACACACACACACACAATTATCAGCATTGAAAGATCGCA-3'

ClinVar aggregate classification (germline): Likely benign. Review status: criteria provided, single submitter (1 of 4 stars). 2 submissions from 2 submitters: Likely benign (1). 1 of the submissions does not count toward it. Last evaluated 2025-11-14.

Conditions:
XPO5-related disorder. Also called: XPO5-related condition.

Submissions (2):

Labcorp Genetics (formerly Invitae), Labcorp
Classification: Likely benign. Last evaluated: 2025-11-14. Review status: criteria provided, single submitter. Criteria: Invitae Variant Classification Sherloc (09022015). Collection method: clinical testing. Allele origin: germline.

PreventionGenetics, part of Exact Sciences
Classification: Likely benign for XPO5-related condition. Last evaluated: 2019-04-16. Review status: no assertion criteria provided. Collection method: clinical testing. Allele origin: germline. Not counted in ClinVar's aggregate classification.
Comment: This variant is classified as likely benign based on ACMG/AMP sequence variant interpretation guidelines (Richards et al. 2015 PMID: 25741868, with internal and published modifications).